The following is an entry in ClinVar:

NM_001267550.2(TTN):c.67771_67772del (p.Leu22591fs)

Genes: TTN (titin; minus strand), TTN-AS1 (TTN antisense RNA 1; plus strand), LOC126806423 (CDK7 strongly-dependent group 2 enhancer GRCh37_chr2:179443309-179444508; plus strand). Cytogenetic location: 2q31.2.
Variant type: Microsatellite.
Coding change: c.67771_67772del on transcript NM_001267550.2 (MANE Select); coding-DNA positions 67771 to 67772, 2 bases deleted (CT; older notation c.67771_67772delCT).
Protein change: p.Leu22591fs; shifts the reading frame from leucine 22591.
Molecular consequence: frameshift variant.
Genome position (GRCh38, 1-based): chr2:178,579,258-178,579,259, AG deleted on the plus strand (CT on the coding strand, the reverse complement: TTN is on the minus strand); deleting any 2 consecutive bases within chr2:178,579,258-178,579,261 gives the same sequence; the c. name uses the placement nearest the transcript's 3' end. VCF-style (leftmost placement, unchanged base first): chr2-178579257-TAG-T. GRCh37 (hg19) VCF-style: chr2-179443984-TAG-T.
Other names: c.62848_62849del, p.Leu20950fs (NM_001256850.1); c.40576_40577del, p.Leu13526fs (NM_003319.4); c.60067_60068del, p.Leu20023fs (NM_133378.4); c.40951_40952del, p.Leu13651fs (NM_133432.3); c.41152_41153del, p.Leu13718fs (NM_133437.4); short protein forms L13718fs, L22591fs, L13526fs, L20023fs, L13651fs, L20950fs.
Identifiers: ClinVar variation 4786230 (VCV004786230.1).

ClinVar aggregate classification (germline): Likely pathogenic (1 of 4 stars; one submission).

Conditions:
Autosomal recessive limb-girdle muscular dystrophy type 2J (LGMDR10). Also called: Limb-girdle muscular dystrophy, type 2J; MUSCULAR DYSTROPHY, LIMB-GIRDLE, AUTOSOMAL RECESSIVE 10. Identifiers: Orphanet 140922, MedGen C1837342, MONDO:0012127, OMIM 608807.
Dilated cardiomyopathy 1G (CMD1G). Identifiers: Orphanet 154, MedGen C1858763, MONDO:0011400, OMIM 604145.

Submission:

Labcorp Genetics (formerly Invitae), Labcorp
Classification: Likely pathogenic for Dilated cardiomyopathy 1G; Autosomal recessive limb-girdle muscular dystrophy type 2J. Last evaluated: 2025-09-25. Review status: criteria provided, single submitter. Criteria: Invitae Variant Classification Sherloc (09022015). Collection method: clinical testing. Allele origin: germline.
Comment: This sequence change creates a premature translational stop signal (p.Leu22591Serfs*3) in the TTN gene. While this is not anticipated to result in nonsense mediated decay, it is expected to create a truncated TTN protein. This variant is not present in population databases (gnomAD no frequency). This variant has not been reported in the literature in individuals affected with TTN-related conditions. This variant is located in the A band of TTN (PMID: 25589632). Truncating variants in this region are significantly overrepresented in patients affected with dilated cardiomyopathy (PMID: 25589632). Truncating variants in this region have also been reported in individuals affected with autosomal recessive centronuclear myopathy (PMID: 23975875). In summary, the currently available evidence indicates that the variant is pathogenic, but additional data are needed to prove that conclusively. Therefore, this variant has been classified as Likely Pathogenic.

Literature cited by the submitters: PubMed 25589632; PubMed 23975875.